The following is an entry in ClinVar:

NC_000003.12:g.(?_97768108)_(97768230_?)del

Gene: ARL6 (ARF like GTPase 6; plus strand). Cytogenetic location: 3q11.2.
Variant type: Deletion.
Identifiers: ClinVar variation 832088 (VCV000832088.1).

ClinVar aggregate classification (germline): Pathogenic (1 of 4 stars; one submission).

Conditions:
Bardet-Biedl syndrome 3 (BBS3). Identifiers: Orphanet 110, MedGen C1859564, MONDO:0010832, OMIM 600151.
Retinitis pigmentosa 55 (RP55). Identifiers: Orphanet 791, MedGen C3150808, MONDO:0013312, OMIM 613575.

Submission:

Labcorp Genetics (formerly Invitae), Labcorp
Classification: Pathogenic for Retinitis pigmentosa 55; Bardet-Biedl syndrome 3. Last evaluated: 2019-09-03. Review status: criteria provided, single submitter. Criteria: Invitae Variant Classification Sherloc (09022015). Collection method: clinical testing. Allele origin: germline.
Comment: This variant is a gross deletion of the genomic region encompassing exon3 of the ARL6 gene, which includes the initiator codon. The 5' end of this event is unknown as it extends beyond the assayed region for this gene and therefore may encompass additional genes. The 3' boundary is likely confined to intron 2 of the ARL6 gene. This is expected to result in an absent or disrupted protein product. This variant has not been reported in the literature in individuals with ARL6-related conditions. Loss-of-function variants in ARL6 are known to be pathogenic (PMID: 15258860). For these reasons, this variant has been classified as Pathogenic.